The following is an entry in ClinVar:

NM_000254.3(MTR):c.632A>G (p.Asn211Ser)

Gene: MTR (5-methyltetrahydrofolate-homocysteine methyltransferase; plus strand). Cytogenetic location: 1q43.
Variant type: single nucleotide variant.
Coding change: c.632A>G on transcript NM_000254.3 (MANE Select); coding-DNA position 632, A replaced by G.
Protein change: p.Asn211Ser; replaces asparagine 211 with serine.
Molecular consequence: missense variant. On other transcripts: 5 prime UTR variant (1).
Genome position (GRCh38, 1-based): chr1:236,815,626, A>G. VCF-style: chr1-236815626-A-G. GRCh37 (hg19) VCF-style: chr1-236978926-A-G.
Other names: c.632A>G, p.Asn211Ser (NM_001291939.1); c.-477A>G (NM_001291940.2); short protein forms N211S.
Identifiers: ClinVar variation 1497968 (VCV001497968.3), dbSNP rs546918671, ClinGen allele CA1473806.

ClinVar aggregate classification (germline): Uncertain significance (1 of 4 stars; one submission).

Conditions:
Methylcobalamin deficiency type cblG (HMAG). Also called: HOMOCYSTINURIA-MEGALOBLASTIC ANEMIA, cblG COMPLEMENTATION TYPE; HOMOCYSTINURIA-MEGALOBLASTIC ANEMIA, cblG TYPE; HOMOCYSTINURIA-MEGALOBLASTIC ANEMIA DUE TO DEFECT IN COBALAMIN METABOLISM, cblG COMPLEMENTATION TYPE; Functional methionine synthase deficiency type cblG. Identifiers: Orphanet 2170, Orphanet 622, MedGen C1855128, MONDO:0009609, OMIM 250940.

Allele frequency attached by ClinVar (database versions not stated): gnomAD exomes 0.00001 and 0.00004; ExAC 0.00003.
gnomAD v4.1: 21 of 1,613,944 alleles (0.0013%); highest among the groups gnomAD compares: South Asian, 0.019%; no homozygotes.

Submission:

Labcorp Genetics (formerly Invitae), Labcorp
Classification: Uncertain significance for Methylcobalamin deficiency type cblG. Last evaluated: 2022-07-05. Review status: criteria provided, single submitter. Criteria: Invitae Variant Classification Sherloc (09022015). Collection method: clinical testing. Allele origin: germline.
Comment: This sequence change replaces asparagine, which is neutral and polar, with serine, which is neutral and polar, at codon 211 of the MTR protein (p.Asn211Ser). This variant is present in population databases (rs546918671, gnomAD 0.04%). This variant has not been reported in the literature in individuals affected with MTR-related conditions. ClinVar contains an entry for this variant (Variation ID: 1497968). Algorithms developed to predict the effect of missense changes on protein structure and function (SIFT, PolyPhen-2, Align-GVGD) all suggest that this variant is likely to be tolerated. Algorithms developed to predict the effect of sequence changes on RNA splicing suggest that this variant may create or strengthen a splice site. In summary, the available evidence is currently insufficient to determine the role of this variant in disease. Therefore, it has been classified as a Variant of Uncertain Significance.